The following is an entry in ClinVar:

ClinVar aggregate classification (germline): Uncertain significance (1 of 4 stars; one submission).

Conditions:
Familial melanoma. Also called: Hereditary melanoma; Hereditary cutaneous melanoma. Identifiers: Orphanet 618, MedGen C1512419, MONDO:0018961.

Submission:

Labcorp Genetics (formerly Invitae), Labcorp
Classification: Uncertain significance for Familial melanoma. Last evaluated: 2023-04-14. Review status: criteria provided, single submitter. Criteria: Invitae Variant Classification Sherloc (09022015). Collection method: clinical testing. Allele origin: germline.
Comment: This sequence change replaces arginine, which is basic and polar, with proline, which is neutral and non-polar, at codon 62 of the CDK4 protein (p.Arg62Pro). This variant is not present in population databases (gnomAD no frequency). This variant has not been reported in the literature in individuals affected with CDK4-related conditions. An algorithm developed to predict the effect of missense changes on protein structure and function (PolyPhen-2) suggests that this variant is likely to be disruptive. In summary, the available evidence is currently insufficient to determine the role of this variant in disease. Therefore, it has been classified as a Variant of Uncertain Significance.

NM_000075.4(CDK4):c.185G>C (p.Arg62Pro)

Genes: CDK4 (cyclin dependent kinase 4; minus strand), LOC130008148 (ATAC-STARR-seq lymphoblastoid silent region 4588; plus strand). Cytogenetic location: 12q14.1.
Variant type: single nucleotide variant.
Coding change: c.185G>C on transcript NM_000075.4 (MANE Select); coding-DNA position 185, G replaced by C.
Protein change: p.Arg62Pro; replaces arginine 62 with proline.
Molecular consequence: missense variant.
Genome position (GRCh38, 1-based): chr12:57,751,533, C>G on the plus strand (G>C on the coding strand, the complement: CDK4 is on the minus strand). VCF-style: chr12-57751533-C-G. GRCh37 (hg19) VCF-style: chr12-58145316-C-G.
Other names: short protein forms R62P.
Identifiers: ClinVar variation 2856119 (VCV002856119.3), dbSNP rs1595110979, ClinGen allele CA385548546.